The following is an entry in ClinVar:

ClinVar aggregate classification (germline): Likely benign. Review status: criteria provided, multiple submitters, no conflicts (2 of 4 stars). 2 submissions from 2 submitters: Likely benign (2). Last evaluated 2022-08-01.

Allele frequency attached by ClinVar (database versions not stated): gnomAD exomes below 0.00001 and 0.00002; gnomAD 0.00001; ExAC 0.00002; 1000 Genomes Project 30x 0.00031; TOPMed 0.00002; 1000 Genomes Project 0.00020.
gnomAD v4.1: 4 of 1,613,980 alleles (0.00025%); highest among the groups gnomAD compares: Admixed American, 0.0017%; no homozygotes.

Submissions (2):

CeGaT Center for Human Genetics Tuebingen
Classification: Likely benign. Last evaluated: 2022-08-01. Review status: criteria provided, single submitter. Criteria: CeGaT Center For Human Genetics Tuebingen Variant Classification Criteria Version 2. Collection method: clinical testing. Allele origin: germline. Affected: yes. Observed: 1 variant allele.
Comment: MYT1L: BP4, BP7

Labcorp Genetics (formerly Invitae), Labcorp
Classification: Likely benign. Last evaluated: 2018-06-25. Review status: criteria provided, single submitter. Criteria: Invitae Variant Classification Sherloc (09022015). Collection method: clinical testing. Allele origin: germline.

NM_001303052.2(MYT1L):c.3096G>A (p.Pro1032=)

Gene: MYT1L (myelin transcription factor 1 like; minus strand). Cytogenetic location: 2p25.3.
Variant type: single nucleotide variant.
Coding change: c.3096G>A on transcript NM_001303052.2 (MANE Select); coding-DNA position 3096, G replaced by A.
Protein change: p.Pro1032=; no amino-acid change (proline 1032 retained).
Molecular consequence: synonymous variant.
Genome position (GRCh38, 1-based): chr2:1,809,152, C>T on the plus strand (G>A on the coding strand, the complement: MYT1L is on the minus strand). VCF-style: chr2-1809152-C-T. GRCh37 (hg19) VCF-style: chr2-1812924-C-T.
Other names: c.3096G>A, p.Pro1032= (NM_001329844.2, NM_001329845.1, NM_001329851.3); c.3090G>A, p.Pro1030= (NM_001329846.3, NM_001329847.2, NM_001329848.1 and 3 more transcripts).
Identifiers: ClinVar variation 750133 (VCV000750133.33), dbSNP rs565637135, ClinGen allele CA1513863.